The following is an entry in ClinVar:

NM_005236.3(ERCC4):c.663dup (p.Met222fs)

Gene: ERCC4 (ERCC excision repair 4, endonuclease catalytic subunit; plus strand). Cytogenetic location: 16p13.12.
Variant type: Duplication.
Coding change: c.663dup on transcript NM_005236.3 (MANE Select); coding-DNA position 663, one base duplicated (C; older notation c.663dupC).
Protein change: p.Met222fs; shifts the reading frame from methionine 222.
Molecular consequence: frameshift variant.
Genome position (GRCh38, 1-based): chr16:13,928,106, C duplicated; the last of 2 consecutive C bases (chr16:13,928,105-13,928,106); duplicating either gives the same sequence. VCF-style (leftmost placement, unchanged base first): chr16-13928104-A-AC. GRCh37 (hg19) VCF-style: chr16-14021961-A-AC.
Other names: short protein forms M222fs.
Identifiers: ClinVar variation 2923026 (VCV002923026.3), dbSNP rs758362908, ClinGen allele CA7910244.

ClinVar aggregate classification (germline): Pathogenic (1 of 4 stars; one submission).

Conditions:
Cockayne syndrome. Identifiers: Orphanet 191, MedGen C0009207, MONDO:0016006.
Fanconi anemia complementation group Q. Identifiers: Orphanet 84, MedGen C3808988, MONDO:0014108, OMIM 615272.
Xeroderma pigmentosum, group F (XPF). Also called: XERODERMA PIGMENTOSUM, COMPLEMENTATION GROUP F; XERODERMA PIGMENTOSUM VI; XP, GROUP F; XERODERMA PIGMENTOSUM, TYPE F; Xeroderma pigmentosum, type 6; ERCC4-Related Xeroderma Pigmentosum. Identifiers: MedGen C0268140, MONDO:0010215, OMIM 278760.

Submission:

Labcorp Genetics (formerly Invitae), Labcorp
Classification: Pathogenic for Fanconi anemia complementation group Q; Xeroderma pigmentosum, group F; Cockayne syndrome. Last evaluated: 2023-01-15. Review status: criteria provided, single submitter. Criteria: Invitae Variant Classification Sherloc (09022015). Collection method: clinical testing. Allele origin: germline.
Comment: For these reasons, this variant has been classified as Pathogenic. Algorithms developed to predict the effect of sequence changes on RNA splicing suggest that this variant may create or strengthen a splice site. This variant has not been reported in the literature in individuals affected with ERCC4-related conditions. This variant is present in population databases (rs758362908, gnomAD 0.003%). This sequence change creates a premature translational stop signal (p.Met222Hisfs*23) in the ERCC4 gene. It is expected to result in an absent or disrupted protein product. Loss-of-function variants in ERCC4 are known to be pathogenic (PMID: 9580660).

Literature cited by the submitters: PubMed 9580660.